The following is an entry in ClinVar:

ClinVar aggregate classification (germline): Uncertain significance. Review status: criteria provided, multiple submitters, no conflicts (2 of 4 stars). 2 submissions from 2 submitters: Uncertain significance (2). Last evaluated 2024-09-04.

Allele frequency attached by ClinVar (database versions not stated): gnomAD 0.00001; TOPMed 0.00002; ExAC 0.00003.
gnomAD v4.1: 17 of 1,613,598 alleles (0.0011%); highest among the groups gnomAD compares: East Asian, 0.029%; no homozygotes.

Submissions (2):

Labcorp Genetics (formerly Invitae), Labcorp
Classification: Uncertain significance. Last evaluated: 2024-09-04. Review status: criteria provided, single submitter. Criteria: Invitae Variant Classification Sherloc (09022015). Collection method: clinical testing. Allele origin: germline.
Comment: This sequence change replaces alanine, which is neutral and non-polar, with glycine, which is neutral and non-polar, at codon 1646 of the DCHS1 protein (p.Ala1646Gly). This variant is present in population databases (rs771284776, gnomAD 0.06%). This variant has not been reported in the literature in individuals affected with DCHS1-related conditions. ClinVar contains an entry for this variant (Variation ID: 1307683). Invitae Evidence Modeling of protein sequence and biophysical properties (such as structural, functional, and spatial information, amino acid conservation, physicochemical variation, residue mobility, and thermodynamic stability) indicates that this missense variant is not expected to disrupt DCHS1 protein function with a negative predictive value of 80%. In summary, the available evidence is currently insufficient to determine the role of this variant in disease. Therefore, it has been classified as a Variant of Uncertain Significance.

GeneDx
Classification: Uncertain significance. Last evaluated: 2019-08-07. Review status: criteria provided, single submitter. Criteria: GeneDx Variant Classification Process June 2021. Collection method: clinical testing. Allele origin: germline. Affected: yes.
Comment: In silico analysis, which includes protein predictors and evolutionary conservation, supports that this variant does not alter protein structure/function; Has not been previously published as pathogenic or benign to our knowledge

NM_003737.4(DCHS1):c.4937C>G (p.Ala1646Gly)

Gene: DCHS1 (dachsous cadherin-related 1; minus strand). Cytogenetic location: 11p15.4.
Variant type: single nucleotide variant.
Coding change: c.4937C>G on transcript NM_003737.4 (MANE Select); coding-DNA position 4937, C replaced by G.
Protein change: p.Ala1646Gly; replaces alanine 1646 with glycine.
Molecular consequence: missense variant.
Genome position (GRCh38, 1-based): chr11:6,629,770, G>C on the plus strand (C>G on the coding strand, the complement: DCHS1 is on the minus strand). VCF-style: chr11-6629770-G-C. GRCh37 (hg19) VCF-style: chr11-6651001-G-C.
Other names: short protein forms A1646G.
Identifiers: ClinVar variation 1307683 (VCV001307683.5), dbSNP rs771284776, ClinGen allele CA5860229.